The following is an entry in ClinVar:

NM_130468.3(CHST14):c.-534A>G

Gene: CHST14 (carbohydrate sulfotransferase 14; plus strand). Cytogenetic location: 15q15.1.
Variant type: single nucleotide variant.
Coding change: c.-534A>G on transcript NM_130468.3; 534 bases upstream of the start codon, A replaced by G.
Genome position (GRCh38, 1-based): chr15:40,470,680, A>G. VCF-style: chr15-40470680-A-G. GRCh37 (hg19) VCF-style: chr15-40762879-A-G.
Identifiers: ClinVar variation 672913 (VCV000672913.3), dbSNP rs118118557, ClinGen allele CA268821629.

ClinVar aggregate classification (germline): Likely benign (1 of 4 stars; one submission).

Allele frequency attached by ClinVar (database versions not stated): TOPMed 0.01793; 1000 Genomes Project 30x 0.03732; gnomAD 0.01799 and 0.02040; 1000 Genomes Project 0.03934.

Submission:

GeneDx
Classification: Likely benign. Last evaluated: 2018-06-14. Review status: criteria provided, single submitter. Criteria: GeneDx Variant Classification (06012015). Collection method: clinical testing. Allele origin: germline. Affected: yes.
Comment: This variant is considered likely benign or benign based on one or more of the following criteria: it is a conservative change, it occurs at a poorly conserved position in the protein, it is predicted to be benign by multiple in silico algorithms, and/or has population frequency not consistent with disease.